The following is an entry in ClinVar:

ClinVar aggregate classification (germline): Uncertain significance (1 of 4 stars; one submission).

Conditions:
Neurodevelopmental disorder with microcephaly and dysmorphic facies. Also called: Nabais Sa-de Vries syndrome, type 1. Identifiers: Orphanet 662179, MedGen C5394218, MONDO:0032942, OMIM 618828.

Submission:

Victorian Clinical Genetics Services, Murdoch Childrens Research Institute
Classification: Uncertain significance for Neurodevelopmental disorder with microcephaly and dysmorphic facies. Last evaluated: 2025-03-20. Review status: criteria provided, single submitter. Criteria: ACMG Guidelines, 2015. Collection method: clinical testing. Allele origin: germline.
Comment: This variant is classified as VUS-3A. Evidence in support of pathogenic classification: Variant is absent from gnomAD (v2, v3 and v4); Additional information: Variant is predicted to result in a missense amino acid change from glutamic acid to lysine; This variant is heterozygous; This gene is associated with autosomal dominant disease; This variant has no previous evidence of pathogenicity; No published segregation evidence has been identified for this variant; No published functional evidence has been identified for this variant; No comparable missense variants have previous evidence for pathogenicity; Variant is located in the annotated MATH domain (DECIPHER); Missense variant with inconclusive in silico prediction and uninformative conservation; Dominant negative and gain of function are known mechanisms of disease in this gene and are associated with disease. Nabais Sa-de Vries syndrome, type 1 (MIM#618828) is associated with gain of function missense variants, whereas Nabais Sa-de Vries syndrome, type 2 (MIM#618829) is caused by variants that have a dominant negative effect (PMID: 32109420).

Literature cited by the submitters: PubMed 32109420.

NM_001007228.2(SPOP):c.433G>A (p.Glu145Lys)

Gene: SPOP (speckle type BTB/POZ protein; minus strand). Cytogenetic location: 17q21.33.
Variant type: single nucleotide variant.
Coding change: c.433G>A on transcript NM_001007228.2 (MANE Select); coding-DNA position 433, G replaced by A.
Protein change: p.Glu145Lys; replaces glutamic acid 145 with lysine.
Molecular consequence: missense variant.
Genome position (GRCh38, 1-based): chr17:49,619,028, C>T on the plus strand (G>A on the coding strand, the complement: SPOP is on the minus strand). VCF-style: chr17-49619028-C-T. GRCh37 (hg19) VCF-style: chr17-47696390-C-T.
Other names: c.433G>A, p.Glu145Lys (NM_001007226.1, NM_001007227.1, NM_001007229.1 and 5 more transcripts); short protein forms E145K.
Identifiers: ClinVar variation 4531664 (VCV004531664.1).